The following is an entry in ClinVar:

NM_001042492.3(NF1):c.477del (p.Arg160fs)

Gene: NF1 (neurofibromin 1; plus strand). Cytogenetic location: 17q11.2.
Variant type: Deletion.
Coding change: c.477del on transcript NM_001042492.3 (MANE Select); coding-DNA position 477, one base deleted (C; older notation c.477delC).
Protein change: p.Arg160fs; shifts the reading frame from arginine 160.
Molecular consequence: frameshift variant.
Genome position (GRCh38, 1-based): chr17:31,163,374, C deleted; the last of 2 consecutive C bases (chr17:31,163,373-31,163,374); deleting either gives the same sequence. VCF-style (leftmost placement, unchanged base first): chr17-31163372-AC-A. GRCh37 (hg19) VCF-style: chr17-29490390-AC-A.
Other names: c.477delC, p.Arg160Glyfs (NM_000267.4); c.477del, p.Arg160fs (NM_001128147.3); short protein forms R160fs.
Identifiers: ClinVar variation 2709546 (VCV002709546.3), dbSNP rs2544701804, ClinGen allele CA2697559759.

ClinVar aggregate classification (germline): Pathogenic (1 of 4 stars; one submission).

Conditions:
Neurofibromatosis, type 1 (NF1). Also called: Peripheral type neurofibromatosis; VON RECKLINGHAUSEN DISEASE; NEUROFIBROMATOSIS, TYPE I, SOMATIC; Neurofibromatosis, type I. Identifiers: Orphanet 636, MedGen C0027831, MONDO:0018975, OMIM 162200. Disease mechanism: loss of function.

Submission:

Labcorp Genetics (formerly Invitae), Labcorp
Classification: Pathogenic for Neurofibromatosis, type 1. Last evaluated: 2024-01-16. Review status: criteria provided, single submitter. Criteria: Invitae Variant Classification Sherloc (09022015). Collection method: clinical testing. Allele origin: germline.
Comment: This sequence change creates a premature translational stop signal (p.Arg160Glyfs*5) in the NF1 gene. It is expected to result in an absent or disrupted protein product. Loss-of-function variants in NF1 are known to be pathogenic (PMID: 10712197, 23913538). This variant is not present in population databases (gnomAD no frequency). This variant has not been reported in the literature in individuals affected with NF1-related conditions. For these reasons, this variant has been classified as Pathogenic.

Literature cited by the submitters: PubMed 10712197; PubMed 23913538.